The following is an entry in ClinVar:

NM_001375524.1(TRRAP):c.8038A>T (p.Asn2680Tyr)

Gene: TRRAP (transformation/transcription domain associated protein; plus strand). Cytogenetic location: 7q22.1.
Variant type: single nucleotide variant.
Coding change: c.8038A>T on transcript NM_001375524.1 (MANE Select); coding-DNA position 8038, A replaced by T.
Protein change: p.Asn2680Tyr; replaces asparagine 2680 with tyrosine.
Molecular consequence: missense variant.
Genome position (GRCh38, 1-based): chr7:98,976,561, A>T. VCF-style: chr7-98976561-A-T. GRCh37 (hg19) VCF-style: chr7-98574184-A-T.
Other names: c.8017A>T, p.Asn2673Tyr (NM_001244580.2); c.7963A>T, p.Asn2655Tyr (NM_003496.4); short protein forms N2655Y, N2673Y, N2680Y.
Identifiers: ClinVar variation 4086338 (VCV004086338.1).

ClinVar aggregate classification (germline): Uncertain significance (1 of 4 stars; one submission).

Submission:

GeneDx
Classification: Uncertain significance. Last evaluated: 2025-03-18. Review status: criteria provided, single submitter. Criteria: GeneDx Variant Classification Process June 2021. Collection method: clinical testing. Allele origin: germline. Affected: yes.
Comment: Not observed at significant frequency in large population cohorts (gnomAD); In silico analysis supports that this missense variant has a deleterious effect on protein structure/function; Has not been previously published as pathogenic or benign to our knowledge